The following is an entry in ClinVar:

NM_001004320.2(AGMO):c.1082C>T (p.Ser361Leu)

Gene: AGMO (alkylglycerol monooxygenase; minus strand). Cytogenetic location: 7p21.2.
Variant type: single nucleotide variant.
Coding change: c.1082C>T on transcript NM_001004320.2 (MANE Select); coding-DNA position 1082, C replaced by T.
Protein change: p.Ser361Leu; replaces serine 361 with leucine.
Molecular consequence: missense variant.
Genome position (GRCh38, 1-based): chr7:15,366,215, G>A on the plus strand (C>T on the coding strand, the complement: AGMO is on the minus strand). VCF-style: chr7-15366215-G-A. GRCh37 (hg19) VCF-style: chr7-15405840-G-A.
Other names: short protein forms S361L.
Identifiers: ClinVar variation 3342779 (VCV003342779.1).

ClinVar aggregate classification (germline): Uncertain significance (1 of 4 stars; one submission).

gnomAD v4.1: 59 of 1,602,982 alleles (0.0037%); highest among the groups gnomAD compares: East Asian, 0.08%; no homozygotes.

Submission:

GeneDx
Classification: Uncertain significance. Last evaluated: 2023-06-01. Review status: criteria provided, single submitter. Criteria: GeneDx Variant Classification Process June 2021. Collection method: clinical testing. Allele origin: germline. Affected: yes.
Comment: In silico analysis supports that this missense variant has a deleterious effect on protein structure/function; Has not been previously published as pathogenic or benign to our knowledge